The following is an entry in ClinVar:

ClinVar aggregate classification (germline): Uncertain significance. Review status: criteria provided, multiple submitters, no conflicts (2 of 4 stars). 2 submissions from 2 submitters: Uncertain significance (2). Last evaluated 2024-01-07.

Conditions:
Retinitis pigmentosa 59 (RP59). Identifiers: Orphanet 791, MedGen C3151227, MONDO:0013468, OMIM 613861.

Allele frequency attached by ClinVar (database versions not stated): gnomAD 0.00002; gnomAD exomes 0.00002; ExAC 0.00003.

Submissions (2):

Labcorp Genetics (formerly Invitae), Labcorp
Classification: Uncertain significance for Retinitis pigmentosa 59. Last evaluated: 2024-01-07. Review status: criteria provided, single submitter. Criteria: Invitae Variant Classification Sherloc (09022015). Collection method: clinical testing. Allele origin: germline.
Comment: This sequence change replaces arginine, which is basic and polar, with glutamine, which is neutral and polar, at codon 259 of the DHDDS protein (p.Arg259Gln). This variant is present in population databases (rs150585934, gnomAD 0.007%). This variant has not been reported in the literature in individuals affected with DHDDS-related conditions. ClinVar contains an entry for this variant (Variation ID: 2162246). An algorithm developed to predict the effect of missense changes on protein structure and function (PolyPhen-2) suggests that this variant¬†is likely to be tolerated. In summary, the available evidence is currently insufficient to determine the role of this variant in disease. Therefore, it has been classified as a Variant of Uncertain Significance.

Blueprint Genetics
Classification: Uncertain significance. Last evaluated: 2020-12-01. Review status: criteria provided, single submitter. Criteria: ACMG Guidelines, 2015. Collection method: clinical testing. Allele origin: germline.

NM_205861.3(DHDDS):c.773G>A (p.Arg258Gln)

Gene: DHDDS (dehydrodolichyl diphosphate synthase subunit; plus strand). Cytogenetic location: 1p36.11.
Variant type: single nucleotide variant.
Coding change: c.773G>A on transcript NM_205861.3 (MANE Select); coding-DNA position 773, G replaced by A.
Protein change: p.Arg258Gln; replaces arginine 258 with glutamine.
Molecular consequence: missense variant.
Genome position (GRCh38, 1-based): chr1:26,468,902, G>A. VCF-style: chr1-26468902-G-A. GRCh37 (hg19) VCF-style: chr1-26795393-G-A.
Other names: c.671G>A, p.Arg224Gln (NM_001243564.2); c.656G>A, p.Arg219Gln (NM_001243565.2); c.494G>A, p.Arg165Gln (NM_001319959.2); c.776G>A, p.Arg259Gln (NM_024887.4); short protein forms R224Q, R219Q, R258Q, R165Q, R259Q.
Identifiers: ClinVar variation 2162246 (VCV002162246.3), dbSNP rs150585934, ClinGen allele CA705465.